The following is an entry in ClinVar:

NM_001204.7(BMPR2):c.1467G>C (p.Glu489Asp)

Gene: BMPR2 (bone morphogenetic protein receptor type 2; plus strand). Cytogenetic location: 2q33.2.
Variant type: single nucleotide variant.
Coding change: c.1467G>C on transcript NM_001204.7 (MANE Select); coding-DNA position 1467, G replaced by C.
Protein change: p.Glu489Asp; replaces glutamic acid 489 with aspartic acid.
Molecular consequence: missense variant.
Genome position (GRCh38, 1-based): chr2:202,552,769, G>C. VCF-style: chr2-202552769-G-C. GRCh37 (hg19) VCF-style: chr2-203417492-G-C.
Other names: short protein forms E489D.
Identifiers: ClinVar variation 4824918 (VCV004824918.1).

ClinVar aggregate classification (germline): Uncertain significance (1 of 4 stars; one submission).

Conditions:
Inborn genetic diseases. Identifiers: MedGen C0950123, MeSH D030342.

Submission:

Ambry Genetics
Classification: Uncertain significance for Inborn genetic diseases. Last evaluated: 2026-02-14. Review status: criteria provided, single submitter. Criteria: Ambry Variant Classification Scheme 2023. Collection method: clinical testing. Allele origin: germline.
Comment: The p.E489D variant (also known as c.1467G>C), located in coding exon 11 of the BMPR2 gene, results from a G to C substitution at nucleotide position 1467. The glutamic acid at codon 489 is replaced by aspartic acid, an amino acid with highly similar properties. This amino acid position is conserved. In addition, this alteration is predicted to be tolerated by in silico analysis. Based on the available evidence, the clinical significance of this variant remains unclear.